The following is an entry in ClinVar:

ClinVar aggregate classification (germline): Pathogenic/Likely pathogenic. Review status: criteria provided, multiple submitters, no conflicts (2 of 4 stars). 2 submissions from 2 submitters: Pathogenic (1); Likely pathogenic (1). Last evaluated 2026-04-21.

Conditions:
Hermansky-Pudlak syndrome 3 (HPS3). Identifiers: Orphanet 231512, Orphanet 79430, MedGen C3888001, MONDO:0013555, OMIM 614072.
Hermansky-Pudlak syndrome (HPS). Also called: ALBINISM WITH HEMORRHAGIC DIATHESIS AND PIGMENTED RETICULOENDOTHELIAL CELLS. Identifiers: Orphanet 79430, MedGen C0079504, MONDO:0019312.

Submissions (2):

Myriad Genetics, Inc.
Classification: Pathogenic for Hermansky-Pudlak syndrome 3. Last evaluated: 2026-04-21. Review status: criteria provided, single submitter. Criteria: Myriad Autosomal Dominant, Autosomal Recessive and X-Linked Classification Criteria (2023). Collection method: clinical testing. Allele origin: unknown.
Comment: NM_032383.3(HPS3):c.314_315dupGT(I106Vfs*4) is expected to be pathogenic in the context of Hermansky-Pudlak syndrome, HPS3-related. This variant is predicted to lead to an abnormal or absent protein product due to the creation of a premature termination codon in HPS3, a gene where loss-of-function variants are known to be pathogenic. Please note: this variant was assessed in the context of healthy population screening.

Natera, Inc.
Classification: Likely pathogenic for Hermansky-Pudlak syndrome. Last evaluated: 2025-01-22. Review status: criteria provided, single submitter. Criteria: Natera Variant Classification Schema (03/2026). Collection method: clinical testing. Allele origin: germline.
Comment: The c.314_315dup variant in HPS3 is a frameshift variant predicted to shift the reading frame beginning at codon 106 and leads to a stop codon 4 codons downstream. This variant is expected to result in nonsense mediated decay, truncation, or a dysfunctional protein product. This variant is rare in the general population with a frequency below the threshold expected for the associated phenotype(s). Given the available evidence, this variant is classified as Likely Pathogenic.

NM_032383.5(HPS3):c.314_315dup (p.Ile106fs)

Gene: HPS3 (HPS3 biogenesis of lysosomal organelles complex 2 subunit 1; plus strand). Cytogenetic location: 3q24.
Variant type: Microsatellite.
Coding change: c.314_315dup on transcript NM_032383.5 (MANE Select); coding-DNA positions 314 to 315, 2 bases duplicated (GT; older notation c.314_315dupGT).
Protein change: p.Ile106fs; shifts the reading frame from isoleucine 106.
Molecular consequence: frameshift variant. On other transcripts: intron variant (1).
Genome position (GRCh38, 1-based): chr3:149,140,100-149,140,101, GT duplicated; duplicating any 2 consecutive bases within chr3:149,140,094-149,140,101 gives the same sequence; the c. name uses the placement nearest the transcript's 3' end. VCF-style (leftmost placement, unchanged base first): chr3-149140093-C-CGT. GRCh37 (hg19) VCF-style: chr3-148857880-C-CGT.
Other names: c.218-923GT[5] (NM_001308258.2); short protein forms I106fs.
Identifiers: ClinVar variation 4069499 (VCV004069499.3).